The following is an entry in ClinVar:

NM_006662.3(SRCAP):c.2384A>G (p.His795Arg)

Gene: SRCAP (Snf2 related CREBBP activator protein; plus strand). Cytogenetic location: 16p11.2.
Variant type: single nucleotide variant.
Coding change: c.2384A>G on transcript NM_006662.3 (MANE Select); coding-DNA position 2384, A replaced by G.
Protein change: p.His795Arg; replaces histidine 795 with arginine.
Molecular consequence: missense variant.
Genome position (GRCh38, 1-based): chr16:30,713,602, A>G. VCF-style: chr16-30713602-A-G. GRCh37 (hg19) VCF-style: chr16-30724923-A-G.
Other names: short protein forms H795R.
Identifiers: ClinVar variation 3338584 (VCV003338584.1).

ClinVar aggregate classification (germline): Uncertain significance (1 of 4 stars; one submission).

gnomAD v4.1: 1 of 1,614,080 alleles (0.000062%); highest among the groups gnomAD compares: African/African-American, 0.0013%; no homozygotes.

Submission:

Greenwood Genetic Center Diagnostic Laboratories, Greenwood Genetic Center
Classification: Uncertain significance. Last evaluated: 2024-04-09. Review status: criteria provided, single submitter. Criteria: ACMG Guidelines, 2015. Collection method: clinical testing. Allele origin: germline. Affected: yes.
Comment: PM1, PM2, PP2